The following is an entry in ClinVar:

NM_000315.4(PTH):c.248G>A (p.Arg83Gln)

Gene: PTH (parathyroid hormone; minus strand). Cytogenetic location: 11p15.3.
Variant type: single nucleotide variant.
Coding change: c.248G>A on transcript NM_000315.4 (MANE Select); coding-DNA position 248, G replaced by A.
Protein change: p.Arg83Gln; replaces arginine 83 with glutamine.
Molecular consequence: missense variant.
Genome position (GRCh38, 1-based): chr11:13,492,505, C>T on the plus strand (G>A on the coding strand, the complement: PTH is on the minus strand). VCF-style: chr11-13492505-C-T. GRCh37 (hg19) VCF-style: chr11-13514052-C-T.
Other names: c.344G>A, p.Arg115Gln (NM_001316352.2); short protein forms R115Q, R83Q.
Identifiers: ClinVar variation 5039374 (VCV005039374.1).

ClinVar aggregate classification (germline): Likely benign (1 of 4 stars; one submission).

Submission:

CeGaT Center for Human Genetics Tuebingen
Classification: Likely benign. Last evaluated: 2026-07-01. Review status: criteria provided, single submitter. Criteria: CeGaT Center For Human Genetics Tuebingen Variant Classification Criteria Version 2. Collection method: clinical testing. Allele origin: germline. Affected: yes. Observed: 1 variant allele.
Comment: PTH: BP4